The following is an entry in ClinVar:

NM_000051.4(ATM):c.1343A>T (p.His448Leu)

Gene: ATM (ATM serine/threonine kinase; plus strand). Cytogenetic location: 11q22.3.
Variant type: single nucleotide variant.
Coding change: c.1343A>T on transcript NM_000051.4 (MANE Select); coding-DNA position 1343, A replaced by T.
Protein change: p.His448Leu; replaces histidine 448 with leucine.
Molecular consequence: missense variant.
Genome position (GRCh38, 1-based): chr11:108,250,808, A>T. VCF-style: chr11-108250808-A-T. GRCh37 (hg19) VCF-style: chr11-108121535-A-T.
Other names: c.1343A>T, p.His448Leu (NM_001351834.2); short protein forms H448L.
Identifiers: ClinVar variation 3007121 (VCV003007121.5), dbSNP rs1555070781, ClinGen allele CA382533750.
Genomic context (GRCh38, chr11:108,250,808, plus strand): 5'-CTAACTGTGAGCTGTCTCCATTACTGATGATACTATCTCAGCTTCTACCCCAACAGCGAC[A>T]TGGGGAACGTACACCATATGTGTTACGATGCCTTACGGAAGTTGCATTGTGTCAAGACAA-3'
Protein context (NP_000042.3, residues 438-458): ILSQLLPQQR[His448Leu]GERTPYVLRC

ClinVar aggregate classification (germline): Conflicting classifications of pathogenicity. Review status: criteria provided, conflicting classifications (1 of 4 stars). 3 submissions from 3 submitters: Uncertain significance (1); Likely benign (1). 1 of the submissions does not count toward it. Last evaluated 2025-08-28.

Conditions:
Ataxia-telangiectasia syndrome (AT). Also called: LOUIS-BAR SYNDROME; Cerebello-oculocutaneous telangiectasia; Immunodeficiency with ataxia telangiectasia; Ataxia-telangiectasia, complementation group D; Ataxia-telangiectasia, complementation group E; Ataxia telangiectasia (A-T). Identifiers: Orphanet 100, MedGen C0004135, MONDO:0008840, OMIM 208900.
Hereditary cancer-predisposing syndrome. Also called: Hereditary neoplastic syndrome; Hereditary Cancer Syndrome; Neoplastic Syndromes, Hereditary; Tumor predisposition. Identifiers: Orphanet 140162, MedGen C0027672, MeSH D009386, MONDO:0015356.

Submissions (3):

Ambry Genetics
Classification: Likely benign for Hereditary cancer-predisposing syndrome. Last evaluated: 2025-08-28. Review status: criteria provided, single submitter. Criteria: Ambry Variant Classification Scheme 2023. Collection method: clinical testing. Allele origin: germline.

Labcorp Genetics (formerly Invitae), Labcorp
Classification: Uncertain significance for Ataxia-telangiectasia syndrome. Last evaluated: 2023-05-21. Review status: criteria provided, single submitter. Criteria: Invitae Variant Classification Sherloc (09022015). Collection method: clinical testing. Allele origin: germline.
Comment: In summary, the available evidence is currently insufficient to determine the role of this variant in disease. Therefore, it has been classified as a Variant of Uncertain Significance. An algorithm developed to predict the effect of missense changes on protein structure and function (PolyPhen-2) suggests that this variant is likely to be tolerated. This variant has not been reported in the literature in individuals affected with ATM-related conditions. This variant is not present in population databases (gnomAD no frequency). This sequence change replaces histidine, which is basic and polar, with leucine, which is neutral and non-polar, at codon 448 of the ATM protein (p.His448Leu).

Natera, Inc.
Classification: Uncertain significance for Ataxia-telangiectasia. Last evaluated: 2025-03-10. Review status: no assertion criteria provided. Collection method: clinical testing. Allele origin: germline. Not counted in ClinVar's aggregate classification.